The following is an entry in ClinVar:

ClinVar aggregate classification (germline): Conflicting classifications of pathogenicity. Review status: no assertion criteria provided (0 of 4 stars). 2 submissions from 2 submitters: Uncertain significance (1); Likely benign (1). Last evaluated 2022-12-02.

Conditions:
TUBGCP2-related disorder. Also called: TUBGCP2-related condition.

Allele frequency attached by ClinVar (database versions not stated): ESP Exome Variant Server 0.00023; 1000 Genomes Project 30x 0.00031; gnomAD exomes 0.00036; 1000 Genomes Project 0.00040; gnomAD 0.00066; ExAC 0.00075; TOPMed 0.00091.
gnomAD v4.1: 654 of 1,613,958 alleles (0.041%); highest among the groups gnomAD compares: Admixed American, 0.13%; no homozygotes.

Submissions (3):

Genetic Services Laboratory, University of Chicago
Classification: Uncertain significance. Last evaluated: 2022-12-02. Review status: no assertion criteria provided. Collection method: clinical testing. Allele origin: germline. Affected: no.
Comment: DNA sequence analysis of the TUBGCP2 gene demonstrated a sequence change, c.1229C>T, in exon 9 that results in an amino acid change, p.Ala410Val. This sequence change does not appear to have been previously described in individuals with TUBGCP2-related disorders. This sequence change has been described in the gnomAD database with a frequency of 0.57% in the Finnish subpopulation (dbSNP rs199910091). The p.Ala410Val change affects a highly conserved amino acid residue located in a domain of the TUBGCP2 protein that is known to be functional. In-silico pathogenicity prediction tools (SIFT, PolyPhen2, Align GVGD, REVEL) provide contradictory results for the p.Ala410Val substitution. Due to insufficient evidences and the lack of functional studies, the clinical significance of the p.Ala410Val change remains unknown at this time. Bi-allelic pathogenic variants in TUBGCP2 have been reported in individuals with microcephaly, developmental delay, and cortical brain malformations (PMID: 31630790, 33458610)

PreventionGenetics, part of Exact Sciences
Classification: Likely benign for TUBGCP2-related condition. Last evaluated: 2021-03-12. Review status: no assertion criteria provided. Collection method: clinical testing. Allele origin: germline.
Comment: This variant is classified as likely benign based on ACMG/AMP sequence variant interpretation guidelines (Richards et al. 2015 PMID: 25741868, with internal and published modifications).

Dr. Peter K. Rogan Lab, Western University
No classification provided (evidence only). Condition: Malignant tumor of esophagus. Review status: no classification provided. Collection method: in vitro. Allele origin: not applicable. Functional consequence: retained intron. Not counted in ClinVar's aggregate classification.

NM_006659.4(TUBGCP2):c.1145C>T (p.Ala382Val)

Gene: TUBGCP2 (tubulin gamma complex component 2; minus strand). Cytogenetic location: 10q26.3.
Variant type: single nucleotide variant.
Coding change: c.1145C>T on transcript NM_006659.4 (MANE Select); coding-DNA position 1145, C replaced by T.
Protein change: p.Ala382Val; replaces alanine 382 with valine.
Molecular consequence: missense variant. On other transcripts: non-coding transcript variant (1).
Genome position (GRCh38, 1-based): chr10:133,292,568, G>A on the plus strand (C>T on the coding strand, the complement: TUBGCP2 is on the minus strand). VCF-style: chr10-133292568-G-A. GRCh37 (hg19) VCF-style: chr10-135106072-G-A.
Other names: NC_000010.10:g.135106072G>A; c.1229C>T, p.Ala410Val (NM_001256617.2); c.755C>T, p.Ala252Val (NM_001256618.2); short protein forms A252V, A382V, A410V.
Identifiers: ClinVar variation 2443289 (VCV002443289.5), dbSNP rs199910091, ClinGen allele CA5764233.